The following is an entry in ClinVar:

NM_015346.4(ZFYVE26):c.6012-1G>A

Gene: ZFYVE26 (zinc finger FYVE-type containing 26; minus strand). Cytogenetic location: 14q24.1.
Variant type: single nucleotide variant.
Coding change: c.6012-1G>A on transcript NM_015346.4 (MANE Select); the canonical splice acceptor site of the intron before coding-DNA position 6012, G replaced by A.
Molecular consequence: splice acceptor variant.
Genome position (GRCh38, 1-based): chr14:67,762,820, C>T on the plus strand (G>A on the coding strand, the complement: ZFYVE26 is on the minus strand). VCF-style: chr14-67762820-C-T. GRCh37 (hg19) VCF-style: chr14-68229537-C-T.
Identifiers: ClinVar variation 2695907 (VCV002695907.3), dbSNP rs2503969430, ClinGen allele CA390165361.

ClinVar aggregate classification (germline): Likely pathogenic (1 of 4 stars; one submission).

Conditions:
Spastic paraplegia. Identifiers: MedGen C0037772, HP:0001258.

Submission:

Labcorp Genetics (formerly Invitae), Labcorp
Classification: Likely pathogenic for Spastic paraplegia. Last evaluated: 2023-11-14. Review status: criteria provided, single submitter. Criteria: Invitae Variant Classification Sherloc (09022015). Collection method: clinical testing. Allele origin: germline.
Comment: This sequence change affects an acceptor splice site in intron 32 of the ZFYVE26 gene. It is expected to disrupt RNA splicing. Variants that disrupt the donor or acceptor splice site typically lead to a loss of protein function (PMID: 16199547), and loss-of-function variants in ZFYVE26 are known to be pathogenic (PMID: 18394578, 19805727). This variant is not present in population databases (gnomAD no frequency). This variant has not been reported in the literature in individuals affected with ZFYVE26-related conditions. Algorithms developed to predict the effect of sequence changes on RNA splicing suggest that this variant may disrupt the consensus splice site. In summary, the currently available evidence indicates that the variant is pathogenic, but additional data are needed to prove that conclusively. Therefore, this variant has been classified as Likely Pathogenic.

Literature cited by the submitters: PubMed 16199547; PubMed 18394578; PubMed 19805727.